The following is an entry in ClinVar:

NM_152703.5(SAMD9L):c.4121dup (p.Pro1375fs)

Gene: SAMD9L (sterile alpha motif domain containing 9 like; minus strand). Cytogenetic location: 7q21.2.
Variant type: Duplication.
Coding change: c.4121dup on transcript NM_152703.5 (MANE Select); coding-DNA position 4121, one base duplicated (A; older notation c.4121dupA).
Protein change: p.Pro1375fs; shifts the reading frame from proline 1375.
Molecular consequence: frameshift variant.
Genome position (GRCh38, 1-based): chr7:93,131,851, T duplicated on the plus strand (A on the coding strand, the reverse complement: SAMD9L is on the minus strand); the first of 6 consecutive T bases (chr7:93,131,851-93,131,856); duplicating any one gives the same sequence. VCF-style (leftmost placement, unchanged base first): chr7-93131850-C-CT. GRCh37 (hg19) VCF-style: chr7-92761163-C-CT.
Other names: p.Pro1375Alafs*5; c.4121dup, p.Pro1375fs (NM_001303496.3, NM_001303497.3, NM_001303498.3 and 5 more transcripts); c.4121dupA (NM_152703.3); short protein forms P1375fs.
Identifiers: ClinVar variation 2077115 (VCV002077115.7), dbSNP rs1033729089, ClinGen allele CA161958622.

ClinVar aggregate classification (germline): Uncertain significance. Review status: criteria provided, multiple submitters, no conflicts (2 of 4 stars). 4 submissions from 4 submitters: Uncertain significance (4). Last evaluated 2026-10-01.

Conditions:
Ataxia-pancytopenia syndrome (ATXPC). Also called: SAMD9L Ataxia-Pancytopenia Syndrome; SAMD9L-Related Syndrome. Identifiers: Orphanet 2585, MedGen C1327919, MONDO:0008038, OMIM 159550.
SAMD9L-related disorder. Also called: SAMD9L-related condition; SAMD9L-related disorders.

Submissions (4):

St. Jude Molecular Pathology, St. Jude Children's Research Hospital
Classification: Uncertain significance for Ataxia-pancytopenia syndrome. Last evaluated: 2026-10-01. Review status: criteria provided, single submitter. Criteria: St. Jude Assertion Criteria 2020. Collection method: clinical testing. Allele origin: germline.
Comment: The SAMD9L c.4121dup p.(Pro1375AlafsTer5) change causes a frameshift and the creation of a premature stop codon, however the functional significance of this variant is currently unknown . This variant has a maximum subpopulation frequency of 0.0016% in gnomAD v2.1.1. To our knowledge, this variant has not been reported in individuals with ataxia-pancytopenia syndrome or monosomy 7. In summary, the evidence currently available is insufficient to determine the clinical significance of this variant. It has therefore been classified as of uncertain significance.

PreventionGenetics, part of Exact Sciences
Classification: Uncertain significance for SAMD9L-related condition. Last evaluated: 2026-09-10. Review status: criteria provided, single submitter. Criteria: ACMG Guidelines, 2015. Collection method: clinical testing. Allele origin: germline.
Comment: The SAMD9L c.4121dupA variant is predicted to result in a frameshift and premature protein termination (p.Pro1375Alafs*5). To our knowledge, this variant has not been reported in the literature. This variant is reported in 0.0016% of alleles in individuals of European (Non-Finnish) descent in gnomAD. Loss of function has not been conclusively established as a mechanism for SAMD9L-related disorders. At this time, the clinical significance of this variant is uncertain due to the absence of conclusive functional and genetic evidence.

Labcorp Genetics (formerly Invitae), Labcorp
Classification: Uncertain significance. Last evaluated: 2025-11-15. Review status: criteria provided, single submitter. Criteria: Invitae Variant Classification Sherloc (09022015). Collection method: clinical testing. Allele origin: germline.
Comment: This sequence change creates a premature translational stop signal (p.Pro1375Alafs*5) in the SAMD9L gene. While this is not anticipated to result in nonsense mediated decay, it is expected to disrupt the last 210 amino acid(s) of the SAMD9L protein. This variant is present in population databases (no rsID available, gnomAD 0.002%). This variant has not been reported in the literature in individuals affected with SAMD9L-related conditions. ClinVar contains an entry for this variant (Variation ID: 2077115). In summary, the available evidence is currently insufficient to determine the role of this variant in disease. Therefore, it has been classified as a Variant of Uncertain Significance.

Mayo Clinic Laboratories, Mayo Clinic
Classification: Uncertain significance. Last evaluated: 2025-05-14. Review status: criteria provided, single submitter. Criteria: ACMG Guidelines, 2015. Collection method: clinical testing. Allele origin: germline. Observed: 1 variant allele.

Literature cited by the submitters: PubMed 39475954 (cited by Mayo Clinic Laboratories, Mayo Clinic).